The following is an entry in ClinVar:

ClinVar aggregate classification (germline): Pathogenic. Review status: reviewed by expert panel (3 of 4 stars). 36 submissions from 36 submitters: Pathogenic (1). 35 of the submissions do not count toward it. Last evaluated 2018-09-19.

Conditions:
GJB2-related disorder. Also called: GJB2-related condition; GJB2-related disorders. Identifiers: MedGen CN382183, MONDO:1060236.
Rare genetic deafness. Identifiers: Orphanet 96210, MedGen C5680250.
Monogenic hearing loss.
Palmoplantar keratoderma-deafness syndrome. Also called: Keratoderma palmoplantar, with deafness; Palmoplantar keratoderma and sensorineural deafness; Hereditary palmoplantar keratoderma with deafness (subtype); Focal palmoplantar keratoderma with sensorineural deafness (subtype); Diffuse palmoplantar keratoderma with deafness (subtype). Identifiers: Orphanet 2202, MedGen C1835672, MONDO:0007852, OMIM 148350.
Knuckle pads, deafness AND leukonychia syndrome. Also called: Bart-Pumphrey syndrome. Identifiers: Orphanet 2698, MedGen C0266004, MONDO:0007866, OMIM 149200.
Mutilating keratoderma (VOWNKL). Also called: Keratoderma hereditarium mutilans. Identifiers: Orphanet 494, MedGen C0265964, MONDO:0007422, OMIM 124500.
Hearing loss. Identifiers: MedGen C3887873.
Autosomal recessive nonsyndromic hearing loss 1A (DFNB1A). Also called: Deafness, autosomal recessive 1A; GJB2-Related Autosomal Recessive Nonsyndromic Hearing Loss; Connexin 26 deafness; Deafness nonsyndromic, Connexin 26 linked; Nonsyndromic Hearing Loss and Deafness, DFNB1; GJB6-Related DFNB 1 Nonsyndromic Hearing Loss and Deafness. Identifiers: Orphanet 90636, MedGen C2673759, MONDO:0009076, OMIM 220290.
Autosomal dominant keratitis-ichthyosis-hearing loss syndrome. Also called: HID SYNDROME; KID SYNDROME, AUTOSOMAL DOMINANT; Senter syndrome. Identifiers: Orphanet 477, MedGen C0265336, MONDO:0007850, OMIM 148210.
Autosomal dominant nonsyndromic hearing loss 3A. Identifiers: Orphanet 90635, MedGen C2675750, MONDO:0011103, OMIM 601544.
Ichthyosis, hystrix-like, with hearing loss. Also called: Hystrix-like ichthyosis with deafness. Identifiers: Orphanet 477, MedGen C1865234, MONDO:0011245.
Inborn genetic diseases. Identifiers: MedGen C0950123, MeSH D030342.
Nonsyndromic genetic hearing loss. Also called: Nonsyndromic hearing loss and deafness; Non-syndromic genetic deafness; Nonsyndromic genetic deafness. Identifiers: Orphanet 87884, MedGen C5680182, MONDO:0019497.
Autosomal recessive nonsyndromic hearing loss 1B. Also called: DEAFNESS, AUTOSOMAL RECESSIVE 1B. Identifiers: Orphanet 90636, MedGen C2675235, MONDO:0012977, OMIM 612645.
Hearing impairment. Also called: Impaired Hearing. Identifiers: MedGen C1384666, MONDO:0005365, HP:0000365.

Allele frequency attached by ClinVar (database versions not stated): TOPMed 0.00062; gnomAD exomes 0.00046 and 0.00089; gnomAD 0.00060 and 0.00058; ExAC 0.00068.

Submissions 1 to 7 of 36:

ClinGen Hearing Loss Variant Curation Expert Panel
Classification: Pathogenic for Nonsyndromic genetic hearing loss. Last evaluated: 2018-09-19. Review status: reviewed by expert panel. Criteria: ClinGen HL ACMG Specifications v1. Collection method: curation. Allele origin: germline. Inheritance: Autosomal recessive inheritance.
Comment: The filtering allele frequency of the p.Leu56ArgfsX26 variant in the GJB2 gene is 1.4% (165/10106) of Ashkenazi Jewish chromosomes by the Genome Aggregation Database (calculated by using inverse allele frequency at an online resource), which is a high enough frequency to be classified as benign based on thresholds defined by the ClinGen Hearing Loss Expert Panel for autosomal recessive nonsyndromic hearing loss variants (BA1). The ClinGen Hearing Loss Expert Panel believes that the evidence for the pathogenicity of this variant for nonsyndromic hearing loss outweighs the high allele frequency of the variant in population databases. Therefore, the BA1 code will not contribute to the overall classification. The p.Leu56ArgfsX26 variant in GJB2 is predicted to cause a premature stop codon in the only coding exon of the gene, leading to an absent protein in a gene in which loss-of-function is an established disease mechanism (PVS1). This variant has been detected in patients with hearing loss in trans with at least 4 pathogenic or suspected-pathogenic variants (PM3_VS; PMID: 24529908, 26096904, 24158611, 9285800, 17666888). In summary, this variant meets criteria to be classified as pathogenic for autosomal recessive nonsyndromic hearing loss based on the ACMG/AMP criteria applied, as specified by the Hearing Loss Expert Panel: PVS1, PM3_VS, BA1.

Genetics Laboratory, Great Ormond Street Hospital NHS Foundation Trust, North Thames Genomic Laboratory Hub
Classification: Pathogenic for Monogenic hearing loss. Last evaluated: 2026-07-02. Review status: criteria provided, single submitter. Criteria: ACGS Best Practice Guidelines for Variant Classification in Rare Disease 2024 v1.2. Collection method: clinical testing. Allele origin: germline. Affected: yes. Not counted in ClinVar's aggregate classification.
Comment: PVS1_strong, PP1_strong, PM3_very-strong

Institute of Medical Genetics and Applied Genomics, University Hospital Tübingen
Classification: Pathogenic for Autosomal recessive nonsyndromic hearing loss 1A. Last evaluated: 2026-05-08. Review status: criteria provided, single submitter. Criteria: ACMG Guidelines, 2015. Collection method: clinical testing. Allele origin: germline. Inheritance: Autosomal recessive inheritance. Affected: yes. Not counted in ClinVar's aggregate classification.

PreventionGenetics, part of Exact Sciences
Classification: Pathogenic for GJB2-related condition. Last evaluated: 2026-04-08. Review status: criteria provided, single submitter. Criteria: ACMG Guidelines, 2015. Collection method: clinical testing. Allele origin: germline. Not counted in ClinVar's aggregate classification.
Comment: The GJB2 c.167delT variant is predicted to result in a frameshift and premature protein termination (p.Leu56Argfs*26). This variant has been reported to be causative for autosomal recessive nonsyndromic hearing loss (Zelante et al. 1997. PubMed ID: 9285800; Dzhemileva et al. 2010. PubMed ID: 20739944; Dodson et al. 2011. PubMed ID: 21465647; Reuter. 2018. PubMed ID: 29431110). This variant is reported in 1.6% of alleles in individuals of Ashkenazi Jewish descent in gnomAD. Frameshift variants in GJB2 are expected to be pathogenic. The ClinGen Hearing Loss expert panel has classified this variant as pathogenic for autosomal recessive nonsyndromic hearing loss (Variation ID: 17010). This variant is interpreted as pathogenic.

Labcorp Genetics (formerly Invitae), Labcorp
Classification: Pathogenic. Last evaluated: 2026-01-20. Review status: criteria provided, single submitter. Criteria: Invitae Variant Classification Sherloc (09022015). Collection method: clinical testing. Allele origin: germline. Not counted in ClinVar's aggregate classification.
Comment: This sequence change creates a premature translational stop signal (p.Leu56Argfs*26) in the GJB2 gene. While this is not anticipated to result in nonsense mediated decay, it is expected to disrupt the last 171 amino acid(s) of the GJB2 protein. This variant is present in population databases (rs80338942, gnomAD 1.6%), and has an allele count higher than expected for a pathogenic variant. This premature translational stop signal has been observed in individuals with autosomal recessive deafness (PMID: 15967879, 16380907, 21465647, 22695344, 24158611). It is commonly reported in individuals of Ashkenazi Jewish ancestry (PMID: 9819448, 10982182, 11935342, 15967879, 16380907, 21465647, 22695344, 24158611). ClinVar contains an entry for this variant (Variation ID: 17010). For these reasons, this variant has been classified as Pathogenic.

Variantyx, Inc.
Classification: Pathogenic for Autosomal recessive nonsyndromic hearing loss 1A. Last evaluated: 2025-12-08. Review status: criteria provided, single submitter. Criteria: Variantyx Assertion Criteria 2022. Collection method: clinical testing. Allele origin: germline. Inheritance: Autosomal recessive inheritance. Not counted in ClinVar's aggregate classification.
Comment: This is a nonsense variant in the GBJ2 gene. Pathogenic variants in this gene have been associated with autosomal recessive nonsyndromic hearing loss 1A. This variant introduces a premature termination codon in exon 2 out of 2 and is expected to result in loss of function, which is a known disease mechanism for GJB2 (PMID: 20301449). It has been detected in the homozygous or compound heterozygous state in many individuals with mild to moderate, nonsyndromic, sensorineural hearing loss (PMID: 24529908, 26096904, 9285800, 17666888) and is a well-recognized common pathogenic variant predominantly found in the Ashkenazi Jewish population and patients with this variant show a spectrum of phenotypic manifestation from mild to profound hearing loss (PMID:Patients with this variant show a spectrum of phenotypic manifestation from mild to profound hearing loss (PMID:9819448). Based on the current evidence, this variant is classified as pathogenic for autosomal recessive nonsyndromic hearing loss 1A.

Natera, Inc.
Classification: Pathogenic for Autosomal recessive deafness type 1A. Last evaluated: 2025-11-04. Review status: criteria provided, single submitter. Criteria: Natera Variant Classification Schema (03/2026). Collection method: clinical testing. Allele origin: germline. Not counted in ClinVar's aggregate classification.
Comment: The c.167delT variant in GJB2 is a frameshift variant predicted to shift the reading frame beginning at codon 56 and leads to a stop codon 26 codons downstream. This variant is expected to result in nonsense mediated decay, truncation, or a dysfunctional protein product. The frequency of this variant in the general population is greater than expected for disorder. This variant has been observed in at least one unaffected individual, with a zygosity that is consistent with the inheritance pattern for the associated condition (in gnomAD and/or literature). This variant has been observed in one or more individuals affected with the associated recessive disease, as either homozygous or compound heterozygous with a second variant (PMID: 11074495). Given the available evidence, this variant is classified as Pathogenic.

NM_004004.6(GJB2):c.167del (p.Leu56fs)

Gene: GJB2 (gap junction protein beta 2; minus strand). Cytogenetic location: 13q12.11.
Variant type: Deletion.
Coding change: c.167del on transcript NM_004004.6 (MANE Select); coding-DNA position 167, one base deleted (T; older notation c.167delT).
Protein change: p.Leu56fs; shifts the reading frame from leucine 56.
Molecular consequence: frameshift variant.
Genome position (GRCh38, 1-based): chr13:20,189,415, A deleted on the plus strand (T on the coding strand, the reverse complement: GJB2 is on the minus strand). VCF-style (leftmost placement, unchanged base first): chr13-20189414-CA-C. GRCh37 (hg19) VCF-style: chr13-20763553-CA-C.
Other names: NM_004004.5(GJB2):c.167delT(p.Leu56Argfs); NM_004004.5(GJB2):c.167delT; c.167delT (NM_004004.6); short protein forms L56fs.
Identifiers: ClinVar variation 17010 (VCV000017010.104), dbSNP rs80338942, ClinGen allele CA172217.